The following is an entry in ClinVar:

NM_001127464.1:c.5962G>A

Gene: ZNF469 (zinc finger protein 469; plus strand).
Variant type: single nucleotide variant.
Identifiers: ClinVar variation 4526933 (VCV004526933.1).

ClinVar aggregate classification (germline): Uncertain significance (1 of 4 stars; one submission).

Submission:

GeneDx
Classification: Uncertain significance. Last evaluated: 2025-04-23. Review status: criteria provided, single submitter. Criteria: GeneDx Variant Classification Process June 2021. Collection method: clinical testing. Allele origin: germline. Affected: yes.
Comment: Not observed at significant frequency in large population cohorts (gnomAD); In silico analysis indicates that this missense variant does not alter protein structure/function; Has not been previously published as pathogenic or benign to our knowledge